The following is an entry in ClinVar:

NM_000742.4(CHRNA2):c.443A>G (p.Tyr148Cys)

Gene: CHRNA2 (cholinergic receptor nicotinic alpha 2 subunit; minus strand). Cytogenetic location: 8p21.2.
Variant type: single nucleotide variant.
Coding change: c.443A>G on transcript NM_000742.4 (MANE Select); coding-DNA position 443, A replaced by G.
Protein change: p.Tyr148Cys; replaces tyrosine 148 with cysteine.
Molecular consequence: missense variant. On other transcripts: 5 prime UTR variant (4).
Genome position (GRCh38, 1-based): chr8:27,467,235, T>C on the plus strand (A>G on the coding strand, the complement: CHRNA2 is on the minus strand). VCF-style: chr8-27467235-T-C. GRCh37 (hg19) VCF-style: chr8-27324752-T-C.
Other names: c.443A>G (NM_000742.3); c.398A>G, p.Tyr133Cys (NM_001282455.2); c.-30A>G (NM_001347705.2, NM_001347706.2); c.-16A>G (NM_001347707.2); c.-19A>G (NM_001347708.2); short protein forms Y148C, Y133C.
Identifiers: ClinVar variation 1442882 (VCV001442882.7), dbSNP rs758688566, ClinGen allele CA4689670.
Genomic context (GRCh38, chr8:27,467,235, plus strand): 5'-GGCCCCTGCAAGTTGGCCTCCCCTCATCCCCCCAGGACCCCAATGGCTTCCTACTTGTTG[T>C]AGAGAACAATGTCGGGGATCCAGATCATCTCAGAAGGGACCCTGAGAGATGTGATGTTGC-3'
Protein context (NP_000733.2, residues 138-158): EMIWIPDIVL[Tyr148Cys]NNADGEFAVT

ClinVar aggregate classification (germline): Uncertain significance. Review status: criteria provided, multiple submitters, no conflicts (2 of 4 stars). 2 submissions from 2 submitters: Uncertain significance (2). Last evaluated 2024-02-02.

Conditions:
Familial sleep-related hypermotor epilepsy. Also called: Autosomal Dominant Sleep-Related Hypermotor (Hyperkinetic) Epilepsy. Identifiers: Orphanet 98784, MedGen C3696898, MONDO:0000030.

Allele frequency attached by ClinVar (database versions not stated): gnomAD exomes 0.00001 and below 0.00001; ExAC 0.00001.

Submissions (2):

GeneDx
Classification: Uncertain significance. Last evaluated: 2024-02-02. Review status: criteria provided, single submitter. Criteria: GeneDx Variant Classification Process June 2021. Collection method: clinical testing. Allele origin: germline. Affected: yes.
Comment: Has not been previously published as pathogenic or benign to our knowledge; In silico analysis supports that this missense variant has a deleterious effect on protein structure/function

Labcorp Genetics (formerly Invitae), Labcorp
Classification: Uncertain significance. Last evaluated: 2021-06-08. Review status: criteria provided, single submitter. Criteria: Invitae Variant Classification Sherloc (09022015). Collection method: clinical testing. Allele origin: germline.
Comment: In summary, the available evidence is currently insufficient to determine the role of this variant in disease. Therefore, it has been classified as a Variant of Uncertain Significance. Algorithms developed to predict the effect of missense changes on protein structure and function (SIFT, PolyPhen-2, Align-GVGD) all suggest that this variant is likely to be disruptive, but these predictions have not been confirmed by published functional studies and their clinical significance is uncertain. This sequence change replaces tyrosine with cysteine at codon 148 of the CHRNA2 protein (p.Tyr148Cys). The tyrosine residue is highly conserved and there is a large physicochemical difference between tyrosine and cysteine. This variant is present in population databases (rs758688566, ExAC 0.01%). This variant has not been reported in the literature in individuals with CHRNA2-related conditions.